The following is an entry in ClinVar:

NM_003072.5(SMARCA4):c.4289G>A (p.Ser1430Asn)

Gene: SMARCA4 (SWI/SNF related BAF chromatin remodeling complex subunit ATPase 4; plus strand). Cytogenetic location: 19p13.2.
Variant type: single nucleotide variant.
Coding change: c.4289G>A on transcript NM_003072.5 (MANE Select); coding-DNA position 4289, G replaced by A.
Protein change: p.Ser1430Asn; replaces serine 1430 with asparagine.
Molecular consequence: missense variant. On other transcripts: non-coding transcript variant (1).
Genome position (GRCh38, 1-based): chr19:11,041,425, G>A. VCF-style: chr19-11041425-G-A. GRCh37 (hg19) VCF-style: chr19-11152101-G-A.
Other names: c.4289G>A, p.Ser1430Asn (NM_001128844.3); c.4199G>A, p.Ser1400Asn (NM_001128845.2, NM_001128846.2); c.4190G>A, p.Ser1397Asn (NM_001128847.4, NM_001128848.2, NM_001374457.1); c.4385G>A, p.Ser1462Asn (NM_001128849.3); short protein forms S1400N, S1397N, S1430N, S1462N.
Identifiers: ClinVar variation 953964 (VCV000953964.13), dbSNP rs2075604964, ClinGen allele CA404073619.

ClinVar aggregate classification (germline): Uncertain significance. Review status: criteria provided, multiple submitters, no conflicts (2 of 4 stars). 2 submissions from 2 submitters: Uncertain significance (2). Last evaluated 2025-11-24.

Conditions:
Hereditary cancer-predisposing syndrome. Also called: Hereditary neoplastic syndrome; Tumor predisposition; Neoplastic Syndromes, Hereditary; Hereditary Cancer Syndrome. Identifiers: Orphanet 140162, MedGen C0027672, MeSH D009386, MONDO:0015356.
Rhabdoid tumor predisposition syndrome 2 (RTPS2). Identifiers: Orphanet 231108, Orphanet 69077, MedGen C2750074, MONDO:0013224, OMIM 613325.

Allele frequency attached by ClinVar (database versions not stated): gnomAD exomes 0.00001.
gnomAD v4.1: 5 of 1,612,486 alleles (0.00031%); highest among the groups gnomAD compares: East Asian, 0.011%; no homozygotes.

Submissions (2):

Ambry Genetics
Classification: Uncertain significance for Hereditary cancer-predisposing syndrome. Last evaluated: 2025-11-24. Review status: criteria provided, single submitter. Criteria: Ambry Variant Classification Scheme 2023. Collection method: clinical testing. Allele origin: germline.
Comment: The p.S1462N variant (also known as c.4385G>A), located in coding exon 30 of the SMARCA4 gene, results from a G to A substitution at nucleotide position 4385. The serine at codon 1462 is replaced by asparagine, an amino acid with highly similar properties. This amino acid position is not well conserved in available vertebrate species. In addition, this alteration is predicted to be tolerated by in silico analysis. Since supporting evidence is limited at this time, the clinical significance of this alteration remains unclear.

Labcorp Genetics (formerly Invitae), Labcorp
Classification: Uncertain significance for Rhabdoid tumor predisposition syndrome 2. Last evaluated: 2025-10-27. Review status: criteria provided, single submitter. Criteria: Invitae Variant Classification Sherloc (09022015). Collection method: clinical testing. Allele origin: germline.
Comment: This sequence change replaces serine, which is neutral and polar, with asparagine, which is neutral and polar, at codon 1462 of the SMARCA4 protein (p.Ser1462Asn). This variant is not present in population databases (gnomAD no frequency). This missense change has been observed in individual(s) with features of Coffin-Siris syndrome (PMID: 32369273). ClinVar contains an entry for this variant (Variation ID: 953964). An algorithm developed to predict the effect of missense changes on protein structure and function (PolyPhen-2) suggests that this variant is likely to be tolerated. In summary, the available evidence is currently insufficient to determine the role of this variant in disease. Therefore, it has been classified as a Variant of Uncertain Significance.

Literature cited by the submitters: PubMed 32369273 (cited by Labcorp Genetics (formerly Invitae), Labcorp).